The following is an entry in ClinVar:

NM_001005373.4(LRSAM1):c.249C>T (p.Ile83=)

Gene: LRSAM1 (leucine rich repeat and sterile alpha motif containing 1; plus strand). Cytogenetic location: 9q33.3.
Variant type: single nucleotide variant.
Coding change: c.249C>T on transcript NM_001005373.4 (MANE Select); coding-DNA position 249, C replaced by T.
Protein change: p.Ile83=; no amino-acid change (isoleucine 83 retained).
Molecular consequence: synonymous variant. On other transcripts: 5 prime UTR variant (1), non-coding transcript variant (2).
Genome position (GRCh38, 1-based): chr9:127,457,390, C>T. VCF-style: chr9-127457390-C-T. GRCh37 (hg19) VCF-style: chr9-130219669-C-T.
Other names: p.Ile83=; c.249C>T, p.Ile83= (NM_001005374.4, NM_001190723.3, NM_001384142.1 and 2 more transcripts); c.-536C>T (NM_001384144.1).
Identifiers: ClinVar variation 365009 (VCV000365009.21), dbSNP rs2243906, ClinGen allele CA5246451.

ClinVar aggregate classification (germline): Benign. Review status: criteria provided, multiple submitters, no conflicts (2 of 4 stars). 9 submissions from 9 submitters: Benign (7). 2 of the submissions do not count toward it. Last evaluated 2026-02-04.

Conditions:
Charcot-Marie-Tooth disease axonal type 2P. Also called: CHARCOT-MARIE-TOOTH NEUROPATHY, TYPE 2P; Charcot-Marie-Tooth Neuropathy Type 2G; CHARCOT-MARIE-TOOTH DISEASE, AXONAL, TYPE 2G; CMT 2G. Identifiers: Orphanet 300319, Orphanet 99941, MedGen C3280797, MONDO:0013753, OMIM 614436.
Charcot-Marie-Tooth disease. Also called: Charcot-Marie-Tooth Neuropathy; Charcot-Marie-Tooth Hereditary Neuropathy. Identifiers: Orphanet 166, MedGen C0007959, MONDO:0015626.

Allele frequency attached by ClinVar (database versions not stated): 1000 Genomes Project 0.55751; 1000 Genomes Project 30x 0.55981; TOPMed 0.60272; ESP Exome Variant Server 0.60549; gnomAD 0.60584 and 0.61095.
gnomAD v4.1: 945,423 of 1,613,478 alleles (59%); highest among the groups gnomAD compares: Admixed American, 66%; 279,624 homozygotes.

Submissions (9):

Labcorp Genetics (formerly Invitae), Labcorp
Classification: Benign for Charcot-Marie-Tooth disease axonal type 2P. Last evaluated: 2026-02-04. Review status: criteria provided, single submitter. Criteria: Invitae Variant Classification Sherloc (09022015). Collection method: clinical testing. Allele origin: germline.

Genome-Nilou Lab
Classification: Benign for Charcot-Marie-Tooth disease axonal type 2P. Last evaluated: 2021-09-05. Review status: criteria provided, single submitter. Criteria: ACMG Guidelines, 2015. Collection method: clinical testing. Allele origin: germline. Affected: no.

Illumina Laboratory Services, Illumina
Classification: Benign for Charcot-Marie-Tooth disease axonal type 2P. Last evaluated: 2018-01-12. Review status: criteria provided, single submitter. Criteria: ICSL Variant Classification Criteria 13 December 2019. Collection method: clinical testing. Allele origin: germline.
Comment: This variant was observed in the ICSL laboratory as part of a predisposition screen in an ostensibly healthy population. It had not been previously curated by ICSL or reported in the Human Gene Mutation Database (HGMD: prior to June 1st, 2018), and was therefore a candidate for classification through an automated scoring system. Utilizing variant allele frequency, disease prevalence and penetrance estimates, and inheritance mode, an automated score was calculated to assess if this variant is too frequent to cause the disease. Based on the score and internal cut-off values, a variant classified as benign is not then subjected to further curation. The score for this variant resulted in a classification of benign for this disease.

Mayo Clinic Laboratories, Mayo Clinic
Classification: Benign. Last evaluated: 2015-08-27. Review status: criteria provided, single submitter. Criteria: ACMG Guidelines, 2015. Collection method: clinical testing. Allele origin: germline. Observed: 1,751 variant alleles.

GeneDx
Classification: Benign. Last evaluated: 2015-03-03. Review status: criteria provided, single submitter. Criteria: GeneDx Variant Classification Process June 2021. Collection method: clinical testing. Allele origin: germline. Affected: yes.

Breakthrough Genomics
Classification: Benign. Review status: criteria provided, single submitter. Criteria: ACMG Guidelines, 2015. Collection method: not provided. Allele origin: germline. Inheritance: Autosomal dominant inheritance. Affected: yes.

Molecular Genetics Laboratory, London Health Sciences Centre
Classification: Benign for Charcot-Marie-Tooth disease. Review status: criteria provided, single submitter. Criteria: ACMG Guidelines, 2015. Collection method: clinical testing. Allele origin: germline. Affected: yes.

Clinical Genetics, Academic Medical Center
Classification: Benign. Review status: no assertion criteria provided. Collection method: clinical testing. Allele origin: germline. Affected: yes. Study: VKGL Data-share Consensus. Not counted in ClinVar's aggregate classification.

Diagnostic Laboratory, Department of Genetics, University Medical Center Groningen
Classification: Benign for Charcot-Marie-Tooth disease axonal type 2P. Review status: no assertion criteria provided. Collection method: clinical testing. Allele origin: germline. Affected: yes. Study: VKGL Data-share Consensus. Not counted in ClinVar's aggregate classification.